The following is an entry in ClinVar:

NM_013275.6(ANKRD11):c.1742_1743del (p.Ser580_Ser581insTer)

Gene: ANKRD11 (ankyrin repeat domain 11; minus strand). Cytogenetic location: 16q24.3.
Variant type: Microsatellite.
Coding change: c.1742_1743del on transcript NM_013275.6 (MANE Select); coding-DNA positions 1742 to 1743, 2 bases deleted (CT; older notation c.1742_1743delCT).
Protein change: p.Ser580_Ser581insTer.
Molecular consequence: nonsense.
Genome position (GRCh38, 1-based): chr16:89,284,799-89,284,800, AG deleted on the plus strand (CT on the coding strand, the reverse complement: ANKRD11 is on the minus strand); deleting any 2 consecutive bases within chr16:89,284,799-89,284,802 gives the same sequence; the c. name uses the placement nearest the transcript's 3' end. VCF-style (leftmost placement, unchanged base first): chr16-89284798-CAG-C. GRCh37 (hg19) VCF-style: chr16-89351206-CAG-C.
Other names: c.1742_1743delCT (NM_001256182.2); c.1742_1743del, p.Ser580_Ser581insTer (NM_001256182.2, NM_001256183.2).
Identifiers: ClinVar variation 1299327 (VCV001299327.2), dbSNP rs2151762916, ClinGen allele CA2580613929.

ClinVar aggregate classification (germline): Pathogenic (1 of 4 stars; one submission).

Conditions:
KBG syndrome (KBGS). Also called: ANKRD11-Related KBG Syndrome. Identifiers: Orphanet 2332, MedGen C0220687, MONDO:0007846, OMIM 148050.

Submission:

Institute of Human Genetics, University of Leipzig Medical Center
Classification: Pathogenic for KBG syndrome. Last evaluated: 2022-01-12. Review status: criteria provided, single submitter. Criteria: ACMG Guidelines, 2015. Collection method: clinical testing. Allele origin: de novo. Affected: yes.
Comment: This variant was identified as de novo (maternity and paternity confirmed)._x000D_ Criteria applied: PVS1, PM2_SUP, PS2_MOD